The following is an entry in ClinVar:

ClinVar aggregate classification (germline): Uncertain significance. Review status: criteria provided, multiple submitters, no conflicts (2 of 4 stars). 2 submissions from 2 submitters: Uncertain significance (2). Last evaluated 2022-10-13.

Conditions:
Duchenne muscular dystrophy (DMD). Also called: MUSCULAR DYSTROPHY, PSEUDOHYPERTROPHIC PROGRESSIVE, DUCHENNE TYPE; Duchenne Muscular Dystrophy (DMD). Identifiers: Orphanet 98896, MedGen C0013264, MONDO:0010679, OMIM 310200.

Submissions (2):

Labcorp Genetics (formerly Invitae), Labcorp
Classification: Uncertain significance for Duchenne muscular dystrophy. Last evaluated: 2022-10-13. Review status: criteria provided, single submitter. Criteria: Invitae Variant Classification Sherloc (09022015). Collection method: clinical testing. Allele origin: germline.
Comment: This sequence change replaces leucine, which is neutral and non-polar, with histidine, which is basic and polar, at codon 50 of the DMD protein (p.Leu50His). This variant is not present in population databases (gnomAD no frequency). In summary, the available evidence is currently insufficient to determine the role of this variant in disease. Therefore, it has been classified as a Variant of Uncertain Significance. Algorithms developed to predict the effect of missense changes on protein structure and function (SIFT, PolyPhen-2, Align-GVGD) all suggest that this variant is likely to be disruptive. ClinVar contains an entry for this variant (Variation ID: 497166). This missense change has been observed in individual(s) with clinical features of DMD-related conditions (PMID: 31671740).

Eurofins Ntd Llc (ga)
Classification: Uncertain significance. Last evaluated: 2016-10-03. Review status: criteria provided, single submitter. Criteria: EGL Classification Definitions 2015. Collection method: clinical testing. Allele origin: germline. Observed: 1 variant allele, 1 heterozygote.

Literature cited by the submitters: PubMed 31671740 (cited by Labcorp Genetics (formerly Invitae), Labcorp).

NM_004006.3(DMD):c.149T>A (p.Leu50His)

Gene: DMD (dystrophin; minus strand). Cytogenetic location: Xp21.1.
Variant type: single nucleotide variant.
Coding change: c.149T>A on transcript NM_004006.3 (MANE Select); coding-DNA position 149, T replaced by A.
Protein change: p.Leu50His; replaces leucine 50 with histidine.
Molecular consequence: missense variant. On other transcripts: 5 prime UTR variant (1).
Genome position (GRCh38, 1-based): chrX:32,849,765, A>T on the plus strand (T>A on the coding strand, the complement: DMD is on the minus strand). VCF-style: chrX-32849765-A-T. GRCh37 (hg19) VCF-style: chrX-32867882-A-T.
Other names: c.125T>A, p.Leu42His (NM_000109.4); c.137T>A, p.Leu46His (NM_004009.3); c.-221T>A (NM_004010.3); short protein forms L50H, L42H, L46H.
Identifiers: ClinVar variation 497166 (VCV000497166.13), dbSNP rs1557084149, ClinGen allele CA412674887.